The following is an entry in ClinVar:

ClinVar aggregate classification (germline): Likely pathogenic (1 of 4 stars; one submission).

Conditions:
Ataxia - intellectual disability - oculomotor apraxia - cerebellar cysts syndrome. Also called: Poretti-Boltshauser syndrome. Identifiers: Orphanet 370022, MedGen C4014821, MONDO:0014419, OMIM 615960.

Submission:

MGZ Medical Genetics Center
Classification: Likely pathogenic for Ataxia - intellectual disability - oculomotor apraxia - cerebellar cysts syndrome. Last evaluated: 2021-10-14. Review status: criteria provided, single submitter. Criteria: ACMG Guidelines, 2015. Collection method: clinical testing. Allele origin: germline. Affected: yes. Observed: 1 variant allele.
Comment: ACMG criteria applied: PVS1, PM2_SUP

NM_005559.4(LAMA1):c.4763del (p.Tyr1588fs)

Gene: LAMA1 (laminin subunit alpha 1; minus strand). Cytogenetic location: 18p11.31.
Variant type: Deletion.
Coding change: c.4763del on transcript NM_005559.4 (MANE Select); coding-DNA position 4763, one base deleted (A; older notation c.4763delA).
Protein change: p.Tyr1588fs; shifts the reading frame from tyrosine 1588.
Molecular consequence: frameshift variant.
Genome position (GRCh38, 1-based): chr18:6,997,785, T deleted on the plus strand (A on the coding strand, the reverse complement: LAMA1 is on the minus strand). VCF-style (leftmost placement, unchanged base first): chr18-6997784-AT-A. GRCh37 (hg19) VCF-style: chr18-6997783-AT-A.
Other names: short protein forms Y1588fs.
Identifiers: ClinVar variation 1710003 (VCV001710003.2), dbSNP rs2510059044, ClinGen allele CA2580095907.